The following is an entry in ClinVar:

ClinVar aggregate classification (germline): Uncertain significance (1 of 4 stars; one submission).

Submission:

Labcorp Genetics (formerly Invitae), Labcorp
Classification: Uncertain significance. Last evaluated: 2024-01-21. Review status: criteria provided, single submitter. Criteria: Invitae Variant Classification Sherloc (09022015). Collection method: clinical testing. Allele origin: germline.
Comment: This variant, c.1719_1730del, results in the deletion of 4 amino acid(s) of the MAGEL2 protein (p.Leu574_Pro577del), but otherwise preserves the integrity of the reading frame. This variant is present in population databases (no rsID available, gnomAD 0.005%). This variant has not been reported in the literature in individuals affected with MAGEL2-related conditions. Experimental studies and prediction algorithms are not available or were not evaluated, and the functional significance of this variant is currently unknown. In summary, the available evidence is currently insufficient to determine the role of this variant in disease. Therefore, it has been classified as a Variant of Uncertain Significance.

NM_019066.5(MAGEL2):c.1719_1730del (p.570LSAP[1])

Gene: MAGEL2 (MAGE family member L2; minus strand). Cytogenetic location: 15q11.2.
Variant type: Deletion.
Coding change: c.1719_1730del on transcript NM_019066.5 (MANE Select); coding-DNA positions 1719 to 1730, 12 bases deleted (ACTGTCTGCCCC).
Protein change: p.570LSAP[1].
Molecular consequence: inframe deletion.
Genome position (GRCh38, 1-based): chr15:23,646,013-23,646,024, GGGGCAGACAGT deleted on the plus strand (ACTGTCTGCCCC on the coding strand, the reverse complement: MAGEL2 is on the minus strand); deleting any 12 consecutive bases within chr15:23,646,013-23,646,035 gives the same sequence; the c. name uses the placement nearest the transcript's 3' end. VCF-style (leftmost placement, unchanged base first): chr15-23646012-CGGGGCAGACAGT-C. GRCh37 (hg19) VCF-style: chr15-23891159-CGGGGCAGACAGT-C.
Identifiers: ClinVar variation 2790232 (VCV002790232.3), dbSNP rs763432934, ClinGen allele CA617084174.